The following is an entry in ClinVar:

ClinVar aggregate classification (germline): Benign. Review status: criteria provided, single submitter (1 of 4 stars). 2 submissions from 2 submitters: Benign (1). 1 of the submissions does not count toward it. Last evaluated 2026-02-04.

Conditions:
CDSN-related disorder. Also called: CDSN-related condition.

Allele frequency attached by ClinVar (database versions not stated): ESP Exome Variant Server 0.00277; gnomAD 0.00357 and 0.00554; gnomAD exomes 0.00396 and 0.00789; TOPMed 0.00471; ExAC 0.00922; 1000 Genomes Project 30x 0.01437; 1000 Genomes Project 0.01597.
gnomAD v4.1: 6,768 of 1,613,924 alleles (0.42%); highest among the groups gnomAD compares: South Asian, 5.3%; 213 homozygotes.

Submissions (2):

Labcorp Genetics (formerly Invitae), Labcorp
Classification: Benign. Last evaluated: 2026-02-04. Review status: criteria provided, single submitter. Criteria: Invitae Variant Classification Sherloc (09022015). Collection method: clinical testing. Allele origin: germline.

PreventionGenetics, part of Exact Sciences
Classification: Benign for CDSN-related condition. Last evaluated: 2024-07-09. Review status: no assertion criteria provided. Collection method: clinical testing. Allele origin: germline. Not counted in ClinVar's aggregate classification.
Comment: This variant is classified as benign based on ACMG/AMP sequence variant interpretation guidelines (Richards et al. 2015 PMID: 25741868, with internal and published modifications).

NM_001264.5(CDSN):c.1059C>T (p.Ser353=)

Genes: CDSN (corneodesmosin; minus strand), PSORS1C1 (psoriasis susceptibility 1 candidate 1; plus strand). Cytogenetic location: 6p21.33.
Variant type: single nucleotide variant.
Coding change: c.1059C>T on transcript NM_001264.5 (MANE Select); coding-DNA position 1059, C replaced by T.
Protein change: p.Ser353=; no amino-acid change (serine 353 retained).
Molecular consequence: synonymous variant. On other transcripts: intron variant (1).
Genome position (GRCh38, 1-based): chr6:31,116,556, G>A on the plus strand (C>T on the coding strand, the complement: CDSN is on the minus strand). VCF-style: chr6-31116556-G-A. GRCh37 (hg19) VCF-style: chr6-31084333-G-A.
Other names: c.-229+1665G>A (NM_014068.3).
Identifiers: ClinVar variation 790729 (VCV000790729.10), dbSNP rs36097319, ClinGen allele CA3708389.